The following is an entry in ClinVar:

ClinVar aggregate classification (germline): Uncertain significance. Review status: criteria provided, multiple submitters, no conflicts (2 of 4 stars). 3 submissions from 3 submitters: Uncertain significance (3). Last evaluated 2024-01-04.

Conditions:
Inborn genetic diseases. Identifiers: MedGen C0950123, MeSH D030342.

Allele frequency attached by ClinVar (database versions not stated): TOPMed 0.00001; gnomAD 0.00003; gnomAD exomes 0.00005; ExAC 0.00008.
gnomAD v4.1: 43 of 1,613,110 alleles (0.0027%); highest among the groups gnomAD compares: Admixed American, 0.0083%; no homozygotes.

Submissions (3):

Ambry Genetics
Classification: Uncertain significance for Inborn genetic diseases. Last evaluated: 2024-01-04. Review status: criteria provided, single submitter. Criteria: Ambry Variant Classification Scheme 2023. Collection method: clinical testing. Allele origin: germline.

Labcorp Genetics (formerly Invitae), Labcorp
Classification: Uncertain significance. Last evaluated: 2022-11-22. Review status: criteria provided, single submitter. Criteria: Invitae Variant Classification Sherloc (09022015). Collection method: clinical testing. Allele origin: germline.
Comment: In summary, the available evidence is currently insufficient to determine the role of this variant in disease. Therefore, it has been classified as a Variant of Uncertain Significance. Algorithms developed to predict the effect of missense changes on protein structure and function are either unavailable or do not agree on the potential impact of this missense change (SIFT: "Deleterious"; PolyPhen-2: "Probably Damaging"; Align-GVGD: "Class C0"). ClinVar contains an entry for this variant (Variation ID: 860525). This variant has not been reported in the literature in individuals affected with ARHGEF18-related conditions. This variant is present in population databases (rs766437964, gnomAD 0.01%). This sequence change replaces arginine, which is basic and polar, with cysteine, which is neutral and slightly polar, at codon 424 of the ARHGEF18 protein (p.Arg424Cys).

Blueprint Genetics
Classification: Uncertain significance. Last evaluated: 2022-10-31. Review status: criteria provided, single submitter. Criteria: ACMG Guidelines, 2015. Collection method: clinical testing. Allele origin: germline.

NM_001367823.1(ARHGEF18):c.1834C>T (p.Arg612Cys)

Gene: ARHGEF18 (Rho/Rac guanine nucleotide exchange factor 18; plus strand). Cytogenetic location: 19p13.2.
Variant type: single nucleotide variant.
Coding change: c.1834C>T on transcript NM_001367823.1 (MANE Select); coding-DNA position 1834, C replaced by T.
Protein change: p.Arg612Cys; replaces arginine 612 with cysteine.
Molecular consequence: missense variant.
Genome position (GRCh38, 1-based): chr19:7,451,245, C>T. VCF-style: chr19-7451245-C-T. GRCh37 (hg19) VCF-style: chr19-7516131-C-T.
Other names: c.1108C>T, p.Arg370Cys (NM_001130955.2); c.796C>T, p.Arg266Cys (NM_001367824.1, NM_015318.4); short protein forms R266C, R370C, R612C.
Identifiers: ClinVar variation 860525 (VCV000860525.7), dbSNP rs766437964, ClinGen allele CA9136626.